The following is an entry in ClinVar:

ClinVar aggregate classification (germline): Conflicting classifications of pathogenicity. Review status: criteria provided, conflicting classifications (1 of 4 stars). 4 submissions from 4 submitters: Uncertain significance (3); Likely benign (1). Last evaluated 2025-06-10.

Conditions:
Inborn genetic diseases. Identifiers: MedGen C0950123, MeSH D030342.
Spastic paraplegia. Identifiers: MedGen C0037772, HP:0001258.

Allele frequency attached by ClinVar (database versions not stated): gnomAD exomes 0.00005; ExAC 0.00012; 1000 Genomes Project 0.00040; gnomAD 0.00057; TOPMed 0.00060; 1000 Genomes Project 30x 0.00062; ESP Exome Variant Server 0.00062.
gnomAD v4.1: 159 of 1,613,596 alleles (0.0099%); highest among the groups gnomAD compares: African/African-American, 0.19%; no homozygotes.

Submissions (4):

Athena Diagnostics
Classification: Uncertain significance. Last evaluated: 2025-06-10. Review status: criteria provided, single submitter. Criteria: Athena Diagnostics Criteria. Collection method: clinical testing. Allele origin: unknown.
Comment: Available data are insufficient to determine the clinical significance of the variant at this time. The frequency of this variant in the general population is higher than would generally be expected for pathogenic variants in this gene. Polyphen and MutationTaster yielded discordant predictions regarding whether this amino acid change is damaging to the protein.

GeneDx
Classification: Uncertain significance. Last evaluated: 2025-04-25. Review status: criteria provided, single submitter. Criteria: GeneDx Variant Classification Process June 2021. Collection method: clinical testing. Allele origin: germline. Affected: yes.
Comment: In silico analysis supports that this missense variant has a deleterious effect on protein structure/function; Has not been previously published as pathogenic or benign to our knowledge

Labcorp Genetics (formerly Invitae), Labcorp
Classification: Uncertain significance for Spastic paraplegia. Last evaluated: 2022-10-31. Review status: criteria provided, single submitter. Criteria: Invitae Variant Classification Sherloc (09022015). Collection method: clinical testing. Allele origin: germline.
Comment: This sequence change replaces valine, which is neutral and non-polar, with alanine, which is neutral and non-polar, at codon 2052 of the ZFYVE26 protein (p.Val2052Ala). This variant is present in population databases (rs142987669, gnomAD 0.1%). This variant has not been reported in the literature in individuals affected with ZFYVE26-related conditions. Algorithms developed to predict the effect of missense changes on protein structure and function are either unavailable or do not agree on the potential impact of this missense change (SIFT: "Deleterious"; PolyPhen-2: "Possibly Damaging"; Align-GVGD: "Class C0"). In summary, the available evidence is currently insufficient to determine the role of this variant in disease. Therefore, it has been classified as a Variant of Uncertain Significance.

Ambry Genetics
Classification: Likely benign for Inborn genetic diseases. Last evaluated: 2021-08-09. Review status: criteria provided, single submitter. Criteria: Ambry Variant Classification Scheme 2023. Collection method: clinical testing. Allele origin: germline.

Literature cited by the submitters: PubMed 29254223 (cited by Athena Diagnostics); PubMed 29908077 (cited by Athena Diagnostics).

NM_015346.4(ZFYVE26):c.6155T>C (p.Val2052Ala)

Gene: ZFYVE26 (zinc finger FYVE-type containing 26; minus strand). Cytogenetic location: 14q24.1.
Variant type: single nucleotide variant.
Coding change: c.6155T>C on transcript NM_015346.4 (MANE Select); coding-DNA position 6155, T replaced by C.
Protein change: p.Val2052Ala; replaces valine 2052 with alanine.
Molecular consequence: missense variant.
Genome position (GRCh38, 1-based): chr14:67,762,676, A>G on the plus strand (T>C on the coding strand, the complement: ZFYVE26 is on the minus strand). VCF-style: chr14-67762676-A-G. GRCh37 (hg19) VCF-style: chr14-68229393-A-G.
Other names: short protein forms V2052A.
Identifiers: ClinVar variation 2038682 (VCV002038682.5), dbSNP rs142987669, ClinGen allele CA7239304.
Genomic context (GRCh38, chr14:67,762,676, plus strand): 5'-AAAAGCAACTTGCTACAGTGGGGTGGAAGTAAGCTTTGTCTTTGTCTTTGTCTCACCTCA[A>G]CGCCCAGTTGGTAGTACTCGGCTTCCAAAAGCTGGTTCCTTAGCCTGGTTACTGCAGCTG-3'
Protein context (NP_056161.2, residues 2042-2062): LLEAEYYQLG[Val2052Ala]EVSTKTGLDT